The following is an entry in ClinVar:

ClinVar aggregate classification (germline): Uncertain significance (1 of 4 stars; one submission).

Submission:

Labcorp Genetics (formerly Invitae), Labcorp
Classification: Uncertain significance. Last evaluated: 2021-10-13. Review status: criteria provided, single submitter. Criteria: Invitae Variant Classification Sherloc (09022015). Collection method: clinical testing. Allele origin: germline.
Comment: This sequence change replaces alanine with valine at codon 608 of the RNF31 protein (p.Ala608Val). The alanine residue is highly conserved and there is a small physicochemical difference between alanine and valine. This variant is not present in population databases (ExAC no frequency). This variant has not been reported in the literature in individuals affected with RNF31-related conditions. Algorithms developed to predict the effect of missense changes on protein structure and function are either unavailable or do not agree on the potential impact of this missense change (SIFT: "Deleterious"; PolyPhen-2: "Possibly Damaging"; Align-GVGD: "Class C0"). In summary, the available evidence is currently insufficient to determine the role of this variant in disease. Therefore, it has been classified as a Variant of Uncertain Significance.

NM_017999.5(RNF31):c.1823C>T (p.Ala608Val)

Gene: RNF31 (ring finger protein 31; plus strand). Cytogenetic location: 14q12.
Variant type: single nucleotide variant.
Coding change: c.1823C>T on transcript NM_017999.5 (MANE Select); coding-DNA position 1823, C replaced by T.
Protein change: p.Ala608Val; replaces alanine 608 with valine.
Molecular consequence: missense variant.
Genome position (GRCh38, 1-based): chr14:24,151,570, C>T. VCF-style: chr14-24151570-C-T. GRCh37 (hg19) VCF-style: chr14-24620779-C-T.
Other names: c.1370C>T, p.Ala457Val (NM_001310332.2); short protein forms A608V, A457V.
Identifiers: ClinVar variation 1401488 (VCV001401488.6), dbSNP rs1566614103, ClinGen allele CA389298434.